The following is an entry in ClinVar:

NM_001077525.3(MTMR14):c.1382C>A (p.Thr461Asn)

Gene: MTMR14 (myotubularin related protein 14; plus strand). Cytogenetic location: 3p25.3.
Variant type: single nucleotide variant.
Coding change: c.1382C>A on transcript NM_001077525.3 (MANE Select); coding-DNA position 1382, C replaced by A.
Protein change: p.Thr461Asn; replaces threonine 461 with asparagine.
Molecular consequence: missense variant. On other transcripts: non-coding transcript variant (9).
Genome position (GRCh38, 1-based): chr3:9,689,031, C>A. VCF-style: chr3-9689031-C-A. GRCh37 (hg19) VCF-style: chr3-9730715-C-A.
Other names: c.665C>A, p.Thr222Asn (NM_001400538.1, NM_001400549.1); c.740C>A, p.Thr247Asn (NM_001400539.1, NM_001400540.1, NM_001400541.1 and 7 more transcripts); c.521C>A, p.Thr174Asn (NM_001400544.1, NM_001400547.1, NM_001400548.1 and 1 more transcripts); c.1100C>A, p.Thr367Asn (NM_001400529.1, NM_001400532.1, NM_001400525.1); c.1136C>A, p.Thr379Asn (NM_001400530.1, NM_001400524.1, NM_001400527.1); c.1133C>A, p.Thr378Asn (NM_001400531.1); c.1061C>A, p.Thr354Asn (NM_001400536.1); c.1025C>A, p.Thr342Asn (NM_001400537.1); and 5 more; short protein forms T174N, T342N, T484N, T378N, T379N, T459N, T354N, T367N.
Identifiers: ClinVar variation 2995437 (VCV002995437.3), dbSNP rs755617008, ClinGen allele CA69965351.

ClinVar aggregate classification (germline): Uncertain significance (1 of 4 stars; one submission).

gnomAD v4.1: 14 of 1,613,820 alleles (0.00087%); highest among the groups gnomAD compares: Non-Finnish European, 0.0011%; no homozygotes.

Submission:

Labcorp Genetics (formerly Invitae), Labcorp
Classification: Uncertain significance. Last evaluated: 2023-10-05. Review status: criteria provided, single submitter. Criteria: Invitae Variant Classification Sherloc (09022015). Collection method: clinical testing. Allele origin: germline.
Comment: This sequence change replaces threonine, which is neutral and polar, with asparagine, which is neutral and polar, at codon 461 of the MTMR14 protein (p.Thr461Asn). This variant is present in population databases (no rsID available, gnomAD 0.0009%). This variant has not been reported in the literature in individuals affected with MTMR14-related conditions. Advanced modeling of protein sequence and biophysical properties (such as structural, functional, and spatial information, amino acid conservation, physicochemical variation, residue mobility, and thermodynamic stability) performed at Invitae indicates that this missense variant is not expected to disrupt MTMR14 protein function. In summary, the available evidence is currently insufficient to determine the role of this variant in disease. Therefore, it has been classified as a Variant of Uncertain Significance.